The following is an entry in ClinVar:

ClinVar aggregate classification (germline): Pathogenic. Review status: reviewed by expert panel (3 of 4 stars). 20 submissions from 20 submitters: Pathogenic (1). 19 of the submissions do not count toward it. Last evaluated 2016-04-22.

Conditions:
Inherited ovarian cancer (without breast cancer).
BRCA2-related disorder. Also called: BRCA2-related condition; BRCA2-related disorders. Identifiers: MedGen CN239275.
Hereditary cancer-predisposing syndrome. Also called: Hereditary Cancer Syndrome; Neoplastic Syndromes, Hereditary; Hereditary neoplastic syndrome; Tumor predisposition. Identifiers: Orphanet 140162, MedGen C0027672, MeSH D009386, MONDO:0015356.
Breast-ovarian cancer, familial, susceptibility to, 2 (BROVCA2). Also called: BRCA2 Hereditary Breast and Ovarian Cancer. Identifiers: Orphanet 145, MedGen C2675520, MONDO:0012933, OMIM 612555. Disease mechanism: loss of function.
Fanconi anemia complementation group D1. Also called: BRCA2-Related Fanconi Anemia. Identifiers: Orphanet 319462, MedGen C1838457, MONDO:0011584, OMIM 605724.
Medulloblastoma (MDB). Also called: MEDULLOBLASTOMA PREDISPOSITION SYNDROME; Medulloblastoma, somatic. Identifiers: Orphanet 616, MedGen C0025149, MeSH D008527, MONDO:0007959, OMIM 155255, HP:0002885.
Pancreatic cancer, susceptibility to, 2. Identifiers: Orphanet 1333, MedGen C3150546, MONDO:0013235, OMIM 613347.
Glioma susceptibility 3 (GLM3). Also called: Glioblastoma 3. Identifiers: Orphanet 182067, Orphanet 360, MedGen C2751641, MONDO:0013093, OMIM 613029.
Wilms tumor 1 (WT1). Also called: Wilms tumor, somatic. Identifiers: Orphanet 654, MedGen CN033288, MONDO:0008679, OMIM 194070.
Familial cancer of breast. Also called: hereditary breast carcinoma; BREAST CANCER, FAMILIAL; Hereditary breast cancer. Identifiers: Orphanet 227535, MedGen C0346153, MONDO:0016419, OMIM 114480. Disease mechanism: loss of function.
Prostate cancer. Also called: Malignant tumor of prostate. Identifiers: Orphanet 1331, MedGen C0376358, MONDO:0008315, HP:0012125.
Hereditary breast ovarian cancer syndrome. Also called: Hereditary breast and ovarian cancer syndrome; Breast and ovarian cancer; Hereditary breast and ovarian cancer syndrome (HBOC); BRCA1- and BRCA2-Associated Hereditary Breast and Ovarian Cancer; Hereditary breast and/or ovarian cancer syndrome; Hereditary breast and ovarian cancer. Identifiers: Orphanet 145, MedGen C0677776, MeSH D061325, MONDO:0003582. Disease mechanism: loss of function.

Allele frequency attached by ClinVar (database versions not stated): ExAC 0.00001; gnomAD 0.00001; TOPMed 0.00001.
gnomAD v4.1: 10 of 1,602,446 alleles (0.00062%); highest among the groups gnomAD compares: African/African-American, 0.0013%; no homozygotes.

Submissions 1 to 11 of 20:

Evidence-based Network for the Interpretation of Germline Mutant Alleles (ENIGMA)
Classification: Pathogenic for Breast-ovarian cancer, familial, susceptibility to, 2. Last evaluated: 2016-04-22. Review status: reviewed by expert panel. Criteria: ENIGMA BRCA1/2 Classification Criteria (2015). Collection method: curation. Allele origin: germline.
Comment: Variant allele predicted to encode a truncated non-functional protein.

Labcorp Genetics (formerly Invitae), Labcorp
Classification: Pathogenic for Hereditary breast ovarian cancer syndrome. Last evaluated: 2025-10-21. Review status: criteria provided, single submitter. Criteria: Invitae Variant Classification Sherloc (09022015). Collection method: clinical testing. Allele origin: germline. Not counted in ClinVar's aggregate classification.
Comment: This sequence change creates a premature translational stop signal (p.Ser1262*) in the BRCA2 gene. It is expected to result in an absent or disrupted protein product. Loss-of-function variants in BRCA2 are known to be pathogenic (PMID: 20104584). This variant is present in population databases (rs80358620, gnomAD 0.0009%). This premature translational stop signal has been observed in individual(s) with ovarian cancer (PMID: 24728189). ClinVar contains an entry for this variant (Variation ID: 51525). For these reasons, this variant has been classified as Pathogenic.

Ambry Genetics
Classification: Pathogenic for Hereditary cancer-predisposing syndrome. Last evaluated: 2025-06-27. Review status: criteria provided, single submitter. Criteria: Ambry Variant Classification Scheme 2023. Collection method: clinical testing. Allele origin: germline. Not counted in ClinVar's aggregate classification.
Comment: The p.S1262* pathogenic mutation (also known as c.3785C>G), located in coding exon 10 of the BRCA2 gene, results from a C to G substitution at nucleotide position 3785. This changes the amino acid from a serine to a stop codon within coding exon 10. This mutation has been reported in numerous breast and/or ovarian cancer families (de Juan Jim&eacute;nez I et al. Fam. Cancer 2013 Dec; 12(4):767-77; Song H et al. Hum. Mol. Genet. 2014 Sep; 23(17):4703-9; Rebbeck TR et al. Hum Mutat. 2018 May;39(5):593-620). In addition to the clinical data presented in the literature, this alteration is expected to result in loss of function by premature protein truncation or nonsense-mediated mRNA decay. As such, this alteration is interpreted as a disease-causing mutation.

GeneKor MSA
Classification: Pathogenic for Hereditary breast ovarian cancer syndrome. Last evaluated: 2025-06-25. Review status: criteria provided, single submitter. Criteria: ACMG Guidelines, 2015. Collection method: clinical testing. Allele origin: germline. Not counted in ClinVar's aggregate classification.
Comment: This is a single base substitution, replacing Serine with a termination codon. It is expected to result in an absent or disrupted protein product. Truncating variants in BRCA2 are known to be pathogenic (PMID:20104584). This variant is present in population databases (rs80358620). This alteration, also known as 4013C>G, has been described in the international literature in individuals affected with breast and ovarian cancer (PMID:18446624, 24728189, 32073954, 31451522, 33471991). The mutation database ClinVar contains entries for this variant (VCV000051525.43). Based on the classification criteria set by the ACMG and AMP (PMID:25741868) this variant has been classified as pathogenic.

NHS Central & South Genomic Laboratory Hub
Classification: Pathogenic for Inherited ovarian cancer (without breast cancer). Last evaluated: 2024-11-11. Review status: criteria provided, single submitter. Criteria: ACMG Guidelines, 2015. Collection method: clinical testing. Allele origin: germline. Affected: yes. Not counted in ClinVar's aggregate classification.

Cambridge Genomics Laboratory, East Genomic Laboratory Hub, NHS Genomic Medicine Service
Classification: Pathogenic for Inherited ovarian cancer (without breast cancer). Last evaluated: 2024-07-15. Review status: criteria provided, single submitter. Criteria: ACGS Best Practice Guidelines for Variant Classification in Rare Disease 2020. Collection method: clinical testing. Allele origin: germline. Affected: yes. Not counted in ClinVar's aggregate classification.
Comment: PVS1,PM2_Supporting,PM5_Strong

GeneDx
Classification: Pathogenic. Last evaluated: 2024-06-04. Review status: criteria provided, single submitter. Criteria: GeneDx Variant Classification Process June 2021. Collection method: clinical testing. Allele origin: germline. Affected: yes. Not counted in ClinVar's aggregate classification.
Comment: Nonsense variant predicted to result in protein truncation or nonsense mediated decay in a gene for which loss-of-function is a known mechanism of disease; Observed in individuals with a personal or family history consistent with pathogenic variants in this gene (PMID: 18446624, 23479189, 24728189); Truncating variants in this gene are considered pathogenic by a well-established clinical consortium and/or database; Not observed at a significant frequency in large population cohorts (gnomAD); Also known as 4013C>G; This variant is associated with the following publications: (PMID: 20858050, 18446624, 28127413, 21702907, 24728189, 25525159, 26546047, 23479189, 29446198, 30720243, 30787465, 33087929, 29922827, 28888541, 34308104)

Quest Diagnostics Nichols Institute San Juan Capistrano
Classification: Pathogenic. Last evaluated: 2024-03-06. Review status: criteria provided, single submitter. Criteria: Quest Diagnostics criteria. Collection method: clinical testing. Allele origin: unknown. Not counted in ClinVar's aggregate classification.
Comment: The BRCA2 c.3785C>G (p.(Ser1262*) variant causes the premature termination of BRCA2 protein synthesis. This variant has been reported in the published literature in individuals with breast cancer (PMID: 32073954 (2020), 33471991 (2021), see also LOVD) and ovarian cancer (PMID: 24728189 (2014)). This variant has also been identified in a pediatric case of kidney cancer (PMID: 34308104 (2021)). The frequency of this variant in the general population, 0.0000041 (1/242678 chromosomes (Genome Aggregation Database)), is consistent with pathogenicity. Based on the available information, this variant is classified as pathogenic.

Baylor Genetics
Classification: Pathogenic for Familial cancer of breast. Last evaluated: 2024-02-19. Review status: criteria provided, single submitter. Criteria: ACMG Guidelines, 2015. Collection method: clinical testing. Allele origin: unknown. Not counted in ClinVar's aggregate classification.

Color Diagnostics, LLC DBA Color Health
Classification: Pathogenic for Hereditary cancer-predisposing syndrome. Last evaluated: 2023-07-21. Review status: criteria provided, single submitter. Criteria: ACMG Guidelines, 2015. Collection method: clinical testing. Allele origin: germline. Not counted in ClinVar's aggregate classification.
Comment: This variant changes 1 nucleotide in exon 11 of the BRCA2 gene, creating a premature translation stop signal. This variant is expected to result in an absent or non-functional protein product. This variant has been reported in at least 5 individuals affected with breast or ovarian cancer (PMID: 18446624, 24728189, 31451522, 33471991, DOI 10.3390/ijms241411570) and has been identified in 10 families among the CIMBA participants (PMID: 29446198). This variant has been identified in 1/242678 chromosomes in the general population by the Genome Aggregation Database (gnomAD). Loss of BRCA2 function is a known mechanism of disease. Based on the available evidence, this variant is classified as Pathogenic.

Fulgent Genetics
Classification: Pathogenic for Familial cancer of breast; Medulloblastoma; Familial prostate cancer; Wilms tumor 1; Fanconi anemia complementation group D1; Breast-ovarian cancer, familial, susceptibility to, 2; Glioma susceptibility 3; Pancreatic cancer, susceptibility to, 2. Last evaluated: 2022-04-21. Review status: criteria provided, single submitter. Criteria: ACMG Guidelines, 2015. Collection method: clinical testing. Allele origin: unknown. Not counted in ClinVar's aggregate classification.

NM_000059.4(BRCA2):c.3785C>G (p.Ser1262Ter)

Gene: BRCA2 (BRCA2 DNA repair associated; plus strand). Cytogenetic location: 13q13.1.
Variant type: single nucleotide variant.
Coding change: c.3785C>G on transcript NM_000059.4 (MANE Select); coding-DNA position 3785, C replaced by G.
Protein change: p.Ser1262Ter; replaces serine 1262 with a stop codon.
Molecular consequence: nonsense.
Genome position (GRCh38, 1-based): chr13:32,338,140, C>G. VCF-style: chr13-32338140-C-G. GRCh37 (hg19) VCF-style: chr13-32912277-C-G.
Other names: 4013C>G; short protein forms S1262*.
Identifiers: ClinVar variation 51525 (VCV000051525.47), dbSNP rs80358620, ClinGen allele CA018810.